The following is an entry in ClinVar:

NM_000238.4(KCNH2):c.2833G>T (p.Gly945Cys)

Gene: KCNH2 (potassium voltage-gated channel subfamily H member 2; minus strand). Cytogenetic location: 7q36.1.
Variant type: single nucleotide variant.
Coding change: c.2833G>T on transcript NM_000238.4 (MANE Select); coding-DNA position 2833, G replaced by T.
Protein change: p.Gly945Cys; replaces glycine 945 with cysteine.
Molecular consequence: missense variant.
Genome position (GRCh38, 1-based): chr7:150,947,738, C>A on the plus strand (G>T on the coding strand, the complement: KCNH2 is on the minus strand). VCF-style: chr7-150947738-C-A. GRCh37 (hg19) VCF-style: chr7-150644826-C-A.
Other names: c.1813G>T, p.Gly605Cys (NM_172057.3); short protein forms G605C, G945C.
Identifiers: ClinVar variation 1063652 (VCV001063652.7), dbSNP rs1202588564, ClinGen allele CA369853299.

ClinVar aggregate classification (germline): Uncertain significance. Review status: criteria provided, multiple submitters, no conflicts (2 of 4 stars). 2 submissions from 2 submitters: Uncertain significance (2). Last evaluated 2025-05-30.

Conditions:
Cardiac arrhythmia. Also called: Cardiac rhythm disease; Arrhythmia. Identifiers: MedGen C0003811, MONDO:0007263, HP:0011675.
Long QT syndrome (LQTS). Identifiers: MedGen C0023976, MeSH D008133, MONDO:0002442. Disease mechanism: loss of function. Inheritance: Various modes of inheritance.

Submissions (2):

Color Diagnostics, LLC DBA Color Health
Classification: Uncertain significance for Cardiac arrhythmia. Last evaluated: 2025-05-30. Review status: criteria provided, single submitter. Criteria: ACMG Guidelines, 2015. Collection method: clinical testing. Allele origin: germline.
Comment: This missense variant replaces glycine with cysteine at codon 945 of the KCNH2 protein. Computational prediction suggests that this variant may not impact protein structure and function. To our knowledge, functional studies have not been reported for this variant. This variant has not been reported in individuals affected with KCNH2-related disorders in the literature. This variant has not been identified in the general population by the Genome Aggregation Database (gnomAD). The available evidence is insufficient to determine the role of this variant in disease conclusively. Therefore, this variant is classified as a Variant of Uncertain Significance.

Labcorp Genetics (formerly Invitae), Labcorp
Classification: Uncertain significance for Long QT syndrome. Last evaluated: 2023-03-01. Review status: criteria provided, single submitter. Criteria: Invitae Variant Classification Sherloc (09022015). Collection method: clinical testing. Allele origin: germline.
Comment: In summary, the available evidence is currently insufficient to determine the role of this variant in disease. Therefore, it has been classified as a Variant of Uncertain Significance. An algorithm developed to predict the effect of missense changes on protein structure and function (PolyPhen-2) suggests that this variant is likely to be tolerated. ClinVar contains an entry for this variant (Variation ID: 1063652). This variant has not been reported in the literature in individuals affected with KCNH2-related conditions. This variant is not present in population databases (gnomAD no frequency). This sequence change replaces glycine, which is neutral and non-polar, with cysteine, which is neutral and slightly polar, at codon 945 of the KCNH2 protein (p.Gly945Cys).